The following is an entry in ClinVar:

NM_000548.5(TSC2):c.3285-4T>G

Gene: TSC2 (TSC complex subunit 2; plus strand). Cytogenetic location: 16p13.3.
Variant type: single nucleotide variant.
Coding change: c.3285-4T>G on transcript NM_000548.5 (MANE Select); 4 bases into the intron before coding-DNA position 3285, T replaced by G.
Molecular consequence: intron variant.
Genome position (GRCh38, 1-based): chr16:2,079,553, T>G. VCF-style: chr16-2079553-T-G. GRCh37 (hg19) VCF-style: chr16-2129554-T-G.
Other names: c.3285-4T>G (NM_001114382.3, NM_000548.3); c.3156-4T>G (NM_021055.3, NM_001370405.1, NM_001363528.2); c.3153-4T>G (NM_001370404.1, NM_001077183.3); c.3045-4T>G (NM_001318827.2); c.2553-4T>G (NM_001318831.2); c.3009-4T>G (NM_001318829.2); c.3186-4T>G (NM_001318832.2).
Identifiers: ClinVar variation 1082590 (VCV001082590.11), dbSNP rs756951926, ClinGen allele CA045482.
Genomic context (GRCh38, chr16:2,079,553, plus strand): 5'-CACGTGGCACCCTCGTACCAGCCTGGGGACTAAGTCCACCCTGTGCGTGGGATTCTCTTC[T>G]CAGCTCCAGCCCCGGGGTGCATGTGAGACAGACCAAGGAGGCGCCGGCCAAGCTGGAGTC-3'

ClinVar aggregate classification (germline): Likely benign. Review status: criteria provided, multiple submitters, no conflicts (2 of 4 stars). 3 submissions from 3 submitters: Likely benign (3). Last evaluated 2024-08-15.

Conditions:
Hereditary cancer-predisposing syndrome. Also called: Neoplastic Syndromes, Hereditary; Hereditary neoplastic syndrome; Hereditary Cancer Syndrome; Tumor predisposition. Identifiers: Orphanet 140162, MedGen C0027672, MeSH D009386, MONDO:0015356.
Tuberous sclerosis 2 (TSC2). Identifiers: Orphanet 805, MedGen C1860707, MONDO:0013199, OMIM 613254.

Allele frequency attached by ClinVar (database versions not stated): ExAC 0.00001; gnomAD exomes 0.00001.
gnomAD v4.1: 7 of 1,609,136 alleles (0.00044%); highest among the groups gnomAD compares: South Asian, 0.0077%; no homozygotes.

Submissions (3):

Myriad Genetics, Inc.
Classification: Likely benign for Tuberous sclerosis 2. Last evaluated: 2024-08-15. Review status: criteria provided, single submitter. Criteria: Myriad Autosomal Dominant, Autosomal Recessive and X-Linked Classification Criteria (2023). Collection method: clinical testing. Allele origin: unknown.
Comment: This variant is considered likely benign. This variant has been observed at a population frequency that is significantly greater than expected given the associated disease prevalence and penetrance.

Ambry Genetics
Classification: Likely benign for Hereditary cancer-predisposing syndrome. Last evaluated: 2024-07-02. Review status: criteria provided, single submitter. Criteria: Ambry Variant Classification Scheme 2023. Collection method: clinical testing. Allele origin: germline.

Labcorp Genetics (formerly Invitae), Labcorp
Classification: Likely benign for Tuberous sclerosis 2. Last evaluated: 2023-09-13. Review status: criteria provided, single submitter. Criteria: Invitae Variant Classification Sherloc (09022015). Collection method: clinical testing. Allele origin: germline.